The following is an entry in ClinVar:

ClinVar aggregate classification (germline): Uncertain significance. Review status: criteria provided, multiple submitters, no conflicts (2 of 4 stars). 2 submissions from 2 submitters: Uncertain significance (2). Last evaluated 2025-10-21.

Allele frequency attached by ClinVar (database versions not stated): gnomAD 0.00007; TOPMed 0.00014; 1000 Genomes Project 30x 0.00016; 1000 Genomes Project 0.00020; ESP Exome Variant Server 0.00038.
gnomAD v4.1: 223 of 1,614,130 alleles (0.014%); highest among the groups gnomAD compares: Middle Eastern, 0.099%; no homozygotes.

Submissions (2):

Labcorp Genetics (formerly Invitae), Labcorp
Classification: Uncertain significance. Last evaluated: 2025-10-21. Review status: criteria provided, single submitter. Criteria: Invitae Variant Classification Sherloc (09022015). Collection method: clinical testing. Allele origin: germline.
Comment: This sequence change replaces isoleucine, which is neutral and non-polar, with valine, which is neutral and non-polar, at codon 287 of the SLC25A32 protein (p.Ile287Val). This variant is present in population databases (rs142086790, gnomAD 0.02%). This variant has not been reported in the literature in individuals affected with SLC25A32-related conditions. ClinVar contains an entry for this variant (Variation ID: 2069014). Invitae Evidence Modeling of protein sequence and biophysical properties (such as structural, functional, and spatial information, amino acid conservation, physicochemical variation, residue mobility, and thermodynamic stability) indicates that this missense variant is not expected to disrupt SLC25A32 protein function with a negative predictive value of 80%. In summary, the available evidence is currently insufficient to determine the role of this variant in disease. Therefore, it has been classified as a Variant of Uncertain Significance.

Ambry Genetics
Classification: Uncertain significance. Last evaluated: 2024-11-25. Review status: criteria provided, single submitter. Criteria: Ambry Variant Classification Scheme 2023. Collection method: clinical testing. Allele origin: germline.

NM_030780.5(SLC25A32):c.859A>G (p.Ile287Val)

Gene: SLC25A32 (solute carrier family 25 member 32; minus strand). Cytogenetic location: 8q22.3.
Variant type: single nucleotide variant.
Coding change: c.859A>G on transcript NM_030780.5 (MANE Select); coding-DNA position 859, A replaced by G.
Protein change: p.Ile287Val; replaces isoleucine 287 with valine.
Molecular consequence: missense variant. On other transcripts: non-coding transcript variant (2).
Genome position (GRCh38, 1-based): chr8:103,400,500, T>C on the plus strand (A>G on the coding strand, the complement: SLC25A32 is on the minus strand). VCF-style: chr8-103400500-T-C. GRCh37 (hg19) VCF-style: chr8-104412728-T-C.
Other names: short protein forms I287V.
Identifiers: ClinVar variation 2069014 (VCV002069014.6), dbSNP rs142086790, ClinGen allele CA4835338.